The following continues an entry in ClinVar:

NM_000059.4(BRCA2):c.4638del (p.Phe1546fs)

Gene: BRCA2. ClinVar aggregate classification (germline): Pathogenic. Pathogenic (1).

Submissions 9 to 28 of 28:

Quest Diagnostics Nichols Institute San Juan Capistrano
Classification: Pathogenic. Last evaluated: 2024-03-28. Review status: criteria provided, single submitter. Criteria: Quest Diagnostics criteria. Collection method: clinical testing. Allele origin: unknown. Not counted in ClinVar's aggregate classification.
Comment: The BRCA2 c.4638del (p.Phe1546Leufs*22) variant alters the translational reading frame of the BRCA2 mRNA and causes the premature termination of BRCA2 protein synthesis. This variant has been reported in the published literature in individuals affected with breast and/or ovarian cancer (PMIDs: 26296701 (2015), 22762150 (2012), 21324516 (2011), 17148771 (2006)). This variant has not been reported in large, multi-ethnic general populations (Genome Aggregation Database). Based on the available information, this variant is classified as pathogenic.

All of Us Research Program, National Institutes of Health
Classification: Pathogenic for Breast-ovarian cancer, familial, susceptibility to, 2. Last evaluated: 2024-01-08. Review status: criteria provided, single submitter. Criteria: ACMG Guidelines, 2015. Collection method: clinical testing. Allele origin: germline. Inheritance: Autosomal dominant inheritance. Observed: 5 variant alleles, 5 heterozygotes. Not counted in ClinVar's aggregate classification.
Comment: This variant deletes 1 nucleotide in exon 11 of the BRCA2 gene, creating a frameshift and premature translation stop signal. This variant is expected to result in an absent or non-functional protein product. To our knowledge, functional studies have not been reported for this variant. This variant has been reported in at least five individuals affected with breast and/or ovarian cancer (PMID: 11044354, 14647210, 17148771, 25186627, 26296701, 33471991; Leiden Open Variation Database DB-ID BRCA2_002797) and one individual each affected with pancreatic and prostate cancer (PMID: 28873162, 29506128, 27433846). This variant has not been identified in the general population by the Genome Aggregation Database (gnomAD). Loss of BRCA2 function is a known mechanism of disease. Based on the available evidence, this variant is classified as Pathogenic.

This study involves interpretation of variants in research participants for the purpose of population health screening. Participant phenotype was not available at the time of variant classification. Additional details can be found in publication PMID: 35346344, PMCID: PMC8962531

Women's Health and Genetics/Laboratory Corporation of America, LabCorp
Classification: Pathogenic for Hereditary breast ovarian cancer syndrome. Last evaluated: 2023-11-20. Review status: criteria provided, single submitter. Criteria: LabCorp Variant Classification Summary - May 2015. Collection method: clinical testing. Allele origin: germline. Not counted in ClinVar's aggregate classification.
Comment: Variant summary: BRCA2 c.4638delT (p.Phe1546LeufsX22) results in a premature termination codon, predicted to cause a truncation of the encoded protein or absence of the protein due to nonsense mediated decay, which are commonly known mechanisms for disease. The variant was absent in 250140 control chromosomes (gnomAD). c.4638delT has been reported in the literature in several individuals affected with Hereditary Breast and Ovarian Cancer Syndrome (e.g. Lubinski_2004, Jakubowska_2003, Ellingson_2015, Rebbeck_2018). These data indicate that the variant is very likely to be associated with disease. The following publications have been ascertained in the context of this evaluation (PMID: 11044354, 26296701, 21702907, 14647210, 22762150, 15131399, 29446198, 17148771, 21324516). Multiple submitters, including an expert panel (ENIGMA), have provided clinical-significance assessments for this variant in ClinVar after 2014, and all of them classified the variant as pathogenic. Based on the evidence outlined above, the variant was classified as pathogenic.

Baylor Genetics
Classification: Pathogenic for Familial cancer of breast. Last evaluated: 2023-07-09. Review status: criteria provided, single submitter. Criteria: ACMG Guidelines, 2015. Collection method: clinical testing. Allele origin: unknown. Not counted in ClinVar's aggregate classification.

GeneDx
Classification: Pathogenic. Last evaluated: 2023-01-18. Review status: criteria provided, single submitter. Criteria: GeneDx Variant Classification Process June 2021. Collection method: clinical testing. Allele origin: germline. Affected: yes. Not counted in ClinVar's aggregate classification.
Comment: Frameshift variant predicted to result in protein truncation or nonsense mediated decay in a gene for which loss-of-function is a known mechanism of disease; Not observed at significant frequency in large population cohorts (gnomAD); Truncating variants in this gene are considered pathogenic by a well-established clinical consortium and/or database; Also known as 4866delT; This variant is associated with the following publications: (PMID: 25186627, 28888541, 14647210, 11044354, 15131399, 17148771, 26296701, 27433846, 21324516, 28873162, 29506128, 29961768, 31447099, 33654310, 32719484, 30787465, 29446198, 22762150, 33471991)

Revvity Omics, Revvity
Classification: Pathogenic. Last evaluated: 2022-11-04. Review status: criteria provided, single submitter. Criteria: ACMG Guidelines, 2015. Collection method: clinical testing. Allele origin: germline. Not counted in ClinVar's aggregate classification.

Sema4
Classification: Pathogenic for Hereditary cancer-predisposing syndrome. Last evaluated: 2022-01-25. Review status: criteria provided, single submitter. Criteria: Sema4 Curation Guidelines. Collection method: curation. Allele origin: germline. Not counted in ClinVar's aggregate classification.
Comment: The BRCA2 c.4638delT (p.F1546LfsX22) variant has been reported in heterozygosity in multiple individuals with breast and ovarian cancer (PMID: 11044354, 29446198, 22762150, 14647210, 26296701, 17148771, among others). It has been reported in a large case-control study of breast cancer in 1/60466 cases and 1/53461 controls (PMID: 33471991). It is also known as 4866delT and 4862delT in the literature. This variant causes a frameshift at amino acid 1546 that results in premature termination 22 amino acids downstream. At this location, this variant is predicted to cause loss of normal protein function either through protein truncation or nonsense-mediated mRNA decay. Loss of function of the BRCA2 gene is an established disease mechanism in HBOC (PMID: 29446198). This variant is not reported in the population database Genome Aggregation Database (PMID: 32461654). This variant has been reported in ClinVar (Variation ID: 37915). Based on the current evidence available, this variant is interpreted as pathogenic.

Institute of Human Genetics, University of Leipzig Medical Center
Classification: Pathogenic for Breast-ovarian cancer, familial, susceptibility to, 2. Last evaluated: 2021-12-09. Review status: criteria provided, single submitter. Criteria: ACMG Guidelines, 2015. Collection method: clinical testing. Allele origin: unknown. Affected: yes. Not counted in ClinVar's aggregate classification.
Comment: _x000D_ Criteria applied: PVS1, PS4, PM2_SUP

Genetic Services Laboratory, University of Chicago
Classification: Pathogenic. Last evaluated: 2021-11-15. Review status: criteria provided, single submitter. Criteria: ACMG Guidelines, 2015. Collection method: clinical testing. Allele origin: germline. Affected: yes. Not counted in ClinVar's aggregate classification.
Comment: DNA sequence analysis of the BRCA2 gene demonstrated a single base pair deletion in exon 11, c.4638del. This sequence change results in an amino acid frameshift and creates a premature stop codon 22 amino acids downstream of the change, p.Phe1546Leufs*22. This sequence change is predicted to result in an abnormal transcript, which may be degraded, or may lead to the production of a truncated BRCA2 protein with potentially abnormal function. The c.4638del sequence change has not been described in the gnomAD population database. This sequence change has previously been described in multiple individuals with BRCA2-related disorders (PMIDs: 11044354, 14647210, 17148771, 21324516, 26296701, 29506128). This variant is also known as 4862delT and 4866delT in the literature. Loss-of-function variants in BRCA2 are known to be pathogenic. Collectively this evidence suggests c.4638del is pathogenic.

Department of Pathology and Laboratory Medicine, Sinai Health System
Classification: Pathogenic for Familial cancer of breast; Medulloblastoma; Familial prostate cancer; Wilms tumor 1; Fanconi anemia complementation group D1; Breast-ovarian cancer, familial, susceptibility to, 2; Glioma susceptibility 3; Pancreatic cancer, susceptibility to, 2. Last evaluated: 2021-09-22. Review status: criteria provided, single submitter. Criteria: ACMG Guidelines, 2015. Collection method: clinical testing. Allele origin: germline. Affected: no. Not counted in ClinVar's aggregate classification.

CeGaT Center for Human Genetics Tuebingen
Classification: Pathogenic. Last evaluated: 2021-04-01. Review status: criteria provided, single submitter. Criteria: CeGaT Center For Human Genetics Tuebingen Variant Classification Criteria Version 2. Collection method: clinical testing. Allele origin: germline. Affected: yes. Observed: 1 variant allele. Not counted in ClinVar's aggregate classification.

CHEO Genetics Diagnostic Laboratory, Children's Hospital of Eastern Ontario
Classification: Pathogenic for Breast and/or ovarian cancer. Last evaluated: 2017-09-19. Review status: criteria provided, single submitter. Criteria: ACMG Guidelines, 2015. Collection method: clinical testing. Allele origin: germline. Study: Canadian Open Genetics Repository. Not counted in ClinVar's aggregate classification.

Department of Pathology and Molecular Medicine, Queen's University
Classification: Pathogenic for Hereditary breast ovarian cancer syndrome. Last evaluated: 2017-04-20. Review status: criteria provided, single submitter. Criteria: ACMG Guidelines, 2015. Collection method: clinical testing. Allele origin: germline. Study: The Canadian Open Genetics Repository (COGR). Not counted in ClinVar's aggregate classification.

Clinical Genetics and Genomics, Karolinska University Hospital
Classification: Pathogenic. Last evaluated: 2017-02-01. Review status: criteria provided, single submitter. Criteria: ACMG Guidelines, 2015. Collection method: clinical testing. Allele origin: germline. Affected: yes. Observed: 1 variant allele. Not counted in ClinVar's aggregate classification.

Consortium of Investigators of Modifiers of BRCA1/2 (CIMBA), c/o University of Cambridge
Classification: Pathogenic for Breast-ovarian cancer, familial, susceptibility to, 2. Last evaluated: 2015-10-02. Review status: criteria provided, single submitter. Criteria: CIMBA Mutation Classification guidelines May 2016. Collection method: clinical testing. Allele origin: germline. Not counted in ClinVar's aggregate classification.

Counsyl
Classification: Pathogenic for Breast-ovarian cancer, familial, susceptibility to, 2. Last evaluated: 2016-06-24. Review status: no assertion criteria provided. Collection method: clinical testing. Allele origin: unknown. Not counted in ClinVar's aggregate classification.

Foulkes Cancer Genetics LDI, Lady Davis Institute for Medical Research
Classification: Pathogenic for Breast and/or ovarian cancer. Last evaluated: 2015-03-18. Review status: no assertion criteria provided. Collection method: clinical testing. Allele origin: germline. Study: The Canadian Open Genetics Repository (COGR). Not counted in ClinVar's aggregate classification.

Research Molecular Genetics Laboratory, Women's College Hospital, University of Toronto
Classification: Pathogenic for Hereditary breast ovarian cancer syndrome. Last evaluated: 2014-01-31. Review status: no assertion criteria provided. Collection method: research. Allele origin: germline. Affected: yes. Study: The Canadian Open Genetics Repository (COGR). Not counted in ClinVar's aggregate classification.

Sharing Clinical Reports Project (SCRP)
Classification: Pathogenic for Breast-ovarian cancer, familial 2. Last evaluated: 2012-05-01. Review status: no assertion criteria provided. Collection method: clinical testing. Allele origin: germline. Not counted in ClinVar's aggregate classification.

Breast Cancer Information Core (BIC) (BRCA2)
Classification: Pathogenic for Breast-ovarian cancer, familial 2. Last evaluated: 2002-05-29. Review status: no assertion criteria provided. Collection method: clinical testing. Allele origin: germline. Affected: yes. Observed: 7 variant alleles. Not counted in ClinVar's aggregate classification.

Literature cited by the submitters: PubMed 11044354 (cited by 8 submitters); PubMed 14647210 (cited by 9 submitters); PubMed 15131399 (cited by 5 submitters); PubMed 17148771 (cited by 8 submitters); PubMed 21324516 (cited by 6 submitters); PubMed 25186627 (cited by 3 submitters); PubMed 26296701 (cited by 10 submitters); PubMed 27433846 (cited by 3 submitters); PubMed 20104584 (cited by Labcorp Genetics (formerly Invitae), Labcorp and Variantyx, Inc.); PubMed 1044354 (cited by Variantyx, Inc.); PubMed 28873162 (cited by Color Diagnostics, LLC DBA Color Health and All of Us Research Program, National Institutes of Health); PubMed 29506128 (cited by 3 submitters); PubMed 33471991 (cited by 3 submitters); PubMed 22762150 (cited by 3 submitters); PubMed 29446198 (cited by 3 submitters); PubMed 21702907 (cited by Women's Health and Genetics/Laboratory Corporation of America, LabCorp).